The following is an entry in ClinVar:

ClinVar aggregate classification (germline): Benign/Likely benign. Review status: criteria provided, multiple submitters, no conflicts (2 of 4 stars). 2 submissions from 2 submitters: Benign (1); Likely benign (1). Last evaluated 2026-07-24.

Conditions:
Lynch syndrome 5 (LYNCH5). Also called: Hereditary non-polyposis colorectal cancer, type 5; Colorectal cancer, hereditary nonpolyposis, type 5. Identifiers: Orphanet 144, MedGen C1833477, MONDO:0013710, OMIM 614350. Disease mechanism: loss of function.
Hereditary cancer-predisposing syndrome. Also called: Hereditary Cancer Syndrome; Hereditary neoplastic syndrome; Neoplastic Syndromes, Hereditary; Tumor predisposition. Identifiers: Orphanet 140162, MedGen C0027672, MeSH D009386, MONDO:0015356.

Submissions (2):

Ambry Genetics
Classification: Likely benign for Hereditary cancer-predisposing syndrome. Last evaluated: 2026-07-24. Review status: criteria provided, single submitter. Criteria: Ambry Variant Classification Scheme 2023. Collection method: clinical testing. Allele origin: germline.

Myriad Genetics, Inc.
Classification: Benign for Lynch syndrome 5. Last evaluated: 2025-01-02. Review status: criteria provided, single submitter. Criteria: Myriad Autosomal Dominant, Autosomal Recessive and X-Linked Classification Criteria (2023). Collection method: clinical testing. Allele origin: unknown.
Comment: This variant is considered benign. This variant is a silent/synonymous amino acid change and it is not expected to impact splicing.

NM_000179.3(MSH6):c.2916T>C (p.Ile972=)

Gene: MSH6 (mutS homolog 6; plus strand). Cytogenetic location: 2p16.3.
Variant type: single nucleotide variant.
Coding change: c.2916T>C on transcript NM_000179.3 (MANE Select); coding-DNA position 2916, T replaced by C.
Protein change: p.Ile972=; no amino-acid change (isoleucine 972 retained).
Molecular consequence: synonymous variant. On other transcripts: non-coding transcript variant (5), intron variant (2).
Genome position (GRCh38, 1-based): chr2:47,800,899, T>C. VCF-style: chr2-47800899-T-C. GRCh37 (hg19) VCF-style: chr2-48028038-T-C.
Other names: c.861T>C, p.Ile287= (NM_001407362.1); c.2308+608T>C (NM_001406803.1); c.1606+1310T>C (NM_001406817.1); c.2526T>C, p.Ile842= (NM_001281492.2); c.2010T>C, p.Ile670= (NM_001281493.2, NM_001281494.2, NM_001406811.1 and 6 more transcripts); c.3012T>C, p.Ile1004= (NM_001406795.1, NM_001406802.1); c.2916T>C, p.Ile972= (NM_001406796.1, NM_001406798.1, NM_001406800.1 and 2 more transcripts); c.2619T>C, p.Ile873= (NM_001406797.1, NM_001406801.1, NM_001406805.1 and 10 more transcripts); and 4 more.
Identifiers: ClinVar variation 3903688 (VCV003903688.2).